The following is an entry in ClinVar:

ClinVar aggregate classification (germline): Likely benign. Review status: criteria provided, multiple submitters, no conflicts (2 of 4 stars). 2 submissions from 2 submitters: Likely benign (2). Last evaluated 2025-08-04.

Conditions:
Peutz-Jeghers syndrome (PJS). Also called: POLYPOSIS, HAMARTOMATOUS INTESTINAL; POLYPS-AND-SPOTS SYNDROME; Peutz-Jeghers polyposis; Periorificial lentiginosis syndrome. Identifiers: Orphanet 2869, MedGen C0031269, MeSH D010580, MONDO:0008280, OMIM 175200.

Submissions (2):

Labcorp Genetics (formerly Invitae), Labcorp
Classification: Likely benign for Peutz-Jeghers syndrome. Last evaluated: 2025-08-04. Review status: criteria provided, single submitter. Criteria: Invitae Variant Classification Sherloc (09022015). Collection method: clinical testing. Allele origin: germline.

Myriad Genetics, Inc.
Classification: Likely benign for Peutz-Jeghers syndrome. Last evaluated: 2025-03-28. Review status: criteria provided, single submitter. Criteria: Myriad Autosomal Dominant, Autosomal Recessive and X-Linked Classification Criteria (2023). Collection method: clinical testing. Allele origin: unknown.
Comment: This variant is considered likely benign. This variant is intronic and is not expected to impact mRNA splicing.

NM_000455.5(STK11):c.921-13T>C

Gene: STK11 (serine/threonine kinase 11; plus strand). Cytogenetic location: 19p13.3.
Variant type: single nucleotide variant.
Coding change: c.921-13T>C on transcript NM_000455.5 (MANE Select); 13 bases into the intron before coding-DNA position 921, T replaced by C.
Molecular consequence: intron variant.
Genome position (GRCh38, 1-based): chr19:1,222,972, T>C. VCF-style: chr19-1222972-T-C. GRCh37 (hg19) VCF-style: chr19-1222971-T-C.
Other names: c.921-13T>C (NM_001407255.1).
Identifiers: ClinVar variation 2913109 (VCV002913109.4), dbSNP rs2512948534, ClinGen allele CA2739276341.
Genomic context (GRCh38, chr19:1,222,972, plus strand): 5'-GAGGAGCTGGGTCGGAAAACTGGACCGCCCTGGTGCCAGCCTGACAGGCGCCACTGCTTC[T>C]GGGCGTTTGCAGCTGGTTCCGGAAGAAACATCCTCCGGCTGAAGCACCAGTGCCCATCCC-3'